The following is an entry in ClinVar:

NM_172107.4(KCNQ2):c.2524G>C (p.Asp842His)

Gene: KCNQ2 (potassium voltage-gated channel subfamily Q member 2; minus strand). Cytogenetic location: 20q13.33.
Variant type: single nucleotide variant.
Coding change: c.2524G>C on transcript NM_172107.4 (MANE Select); coding-DNA position 2524, G replaced by C.
Protein change: p.Asp842His; replaces aspartic acid 842 with histidine.
Molecular consequence: missense variant.
Genome position (GRCh38, 1-based): chr20:63,406,739, C>G on the plus strand (G>C on the coding strand, the complement: KCNQ2 is on the minus strand). VCF-style: chr20-63406739-C-G. GRCh37 (hg19) VCF-style: chr20-62038092-C-G.
Other names: c.2578G>C, p.Asp860His (NM_001382235.1); c.2440G>C, p.Asp814His (NM_004518.6); c.2470G>C, p.Asp824His (NM_172106.3); c.2431G>C, p.Asp811His (NM_172108.5); short protein forms D814H, D824H, D811H, D842H, D860H.
Identifiers: ClinVar variation 2831017 (VCV002831017.3), dbSNP rs2516091980, ClinGen allele CA409636702.

ClinVar aggregate classification (germline): Uncertain significance (1 of 4 stars; one submission).

Conditions:
Early-infantile DEE. Also called: Early infantile epileptic encephalopathy; Early infantile epileptic encephalopathy with suppression bursts; Ohtahara syndrome. Identifiers: Orphanet 1934, MedGen C0393706, MONDO:0800491.

Submission:

Labcorp Genetics (formerly Invitae), Labcorp
Classification: Uncertain significance for Early-infantile DEE. Last evaluated: 2023-01-22. Review status: criteria provided, single submitter. Criteria: Invitae Variant Classification Sherloc (09022015). Collection method: clinical testing. Allele origin: germline.
Comment: In summary, the available evidence is currently insufficient to determine the role of this variant in disease. Therefore, it has been classified as a Variant of Uncertain Significance. Algorithms developed to predict the effect of missense changes on protein structure and function are either unavailable or do not agree on the potential impact of this missense change (SIFT: "Tolerated"; PolyPhen-2: "Probably Damaging"; Align-GVGD: "Class C0"). This variant has not been reported in the literature in individuals affected with KCNQ2-related conditions. This variant is not present in population databases (gnomAD no frequency). This sequence change replaces aspartic acid, which is acidic and polar, with histidine, which is basic and polar, at codon 842 of the KCNQ2 protein (p.Asp842His).